The following is an entry in ClinVar:

ClinVar aggregate classification (germline): Uncertain significance (1 of 4 stars; one submission).

Conditions:
Infantile myofibromatosis (IMF). Also called: Congenital generalized fibromatosis. Identifiers: Orphanet 2591, MedGen C0432284, MONDO:0016824.
Skeletal overgrowth-craniofacial dysmorphism-hyperelastic skin-white matter lesions syndrome. Also called: SKELETAL OVERGROWTH WITH FACIAL DYSMORPHISM, HYPERELASTIC SKIN, WHITE MATTER LESIONS, AND NEUROLOGIC DETERIORATION; Kosaki overgrowth syndrome. Identifiers: Orphanet 477831, MedGen C4225270, MONDO:0014704, OMIM 616592.
Acroosteolysis-keloid-like lesions-premature aging syndrome. Also called: Premature aging syndrome, Penttinen type; Prematurely aged appearance, delayed bone maturation, acro-osteolysis, and brachydactyly; Progeroid syndrome, Penttinen type. Identifiers: Orphanet 363665, MedGen C1866182, MONDO:0011150, OMIM 601812.
Basal ganglia calcification, idiopathic, 4 (PFBC4). Also called: Familial Idiopathic Basal Ganglia Calcification 4; PRIMARY FAMILIAL BRAIN CALCIFICATION 4, AUTOSOMAL DOMINANT. Identifiers: Orphanet 1980, MedGen C3554321, MONDO:0014004, OMIM 615007.

Allele frequency attached by ClinVar (database versions not stated): TOPMed 0.00001; ExAC 0.00001.

Submission:

Labcorp Genetics (formerly Invitae), Labcorp
Classification: Uncertain significance for Basal ganglia calcification, idiopathic, 4; Skeletal overgrowth-craniofacial dysmorphism-hyperelastic skin-white matter lesions syndrome; Infantile myofibromatosis; Acroosteolysis-keloid-like lesions-premature aging syndrome. Last evaluated: 2026-01-27. Review status: criteria provided, single submitter. Criteria: Invitae Variant Classification Sherloc (09022015). Collection method: clinical testing. Allele origin: germline.
Comment: This sequence change replaces proline, which is neutral and non-polar, with leucine, which is neutral and non-polar, at codon 345 of the PDGFRB protein (p.Pro345Leu). The frequency data for this variant in the population databases is considered unreliable, as metrics indicate poor data quality at this position in the gnomAD database. This variant has not been reported in the literature in individuals affected with PDGFRB-related conditions. ClinVar contains an entry for this variant (Variation ID: 2927640). Invitae Evidence Modeling of protein sequence and biophysical properties (such as structural, functional, and spatial information, amino acid conservation, physicochemical variation, residue mobility, and thermodynamic stability) indicates that this missense variant is not expected to disrupt PDGFRB protein function with a negative predictive value of 80%. In summary, the available evidence is currently insufficient to determine the role of this variant in disease. Therefore, it has been classified as a Variant of Uncertain Significance.

NM_002609.4(PDGFRB):c.1034C>T (p.Pro345Leu)

Gene: PDGFRB (platelet derived growth factor receptor beta; minus strand). Cytogenetic location: 5q32.
Variant type: single nucleotide variant.
Coding change: c.1034C>T on transcript NM_002609.4 (MANE Select); coding-DNA position 1034, C replaced by T.
Protein change: p.Pro345Leu; replaces proline 345 with leucine.
Molecular consequence: missense variant.
Genome position (GRCh38, 1-based): chr5:150,132,843, G>A on the plus strand (C>T on the coding strand, the complement: PDGFRB is on the minus strand). VCF-style: chr5-150132843-G-A. GRCh37 (hg19) VCF-style: chr5-149512406-G-A.
Other names: c.842C>T, p.Pro281Leu (NM_001355016.2); c.551C>T, p.Pro184Leu (NM_001355017.2); short protein forms P184L, P345L, P281L.
Identifiers: ClinVar variation 2927640 (VCV002927640.3), dbSNP rs201250234, ClinGen allele CA3508125.